The following is an entry in ClinVar:

ClinVar aggregate classification (germline): Uncertain significance. Review status: criteria provided, single submitter (1 of 4 stars). 2 submissions from 2 submitters: Uncertain significance (1). 1 of the submissions does not count toward it. Last evaluated 2025-02-27.

Conditions:
Autosomal dominant nonsyndromic hearing loss 20. Identifiers: Orphanet 90635, MedGen C1858172, MONDO:0011480, OMIM 604717.
Baraitser-winter syndrome 2. Identifiers: Orphanet 2995, MedGen C3281235, MONDO:0013812, OMIM 614583.

Allele frequency attached by ClinVar (database versions not stated): gnomAD exomes below 0.00001.

Submissions (2):

Labcorp Genetics (formerly Invitae), Labcorp
Classification: Uncertain significance for Baraitser-winter syndrome 2; Autosomal dominant nonsyndromic hearing loss 20. Last evaluated: 2025-02-27. Review status: criteria provided, single submitter. Criteria: Invitae Variant Classification Sherloc (09022015). Collection method: clinical testing. Allele origin: germline.
Comment: This sequence change replaces threonine, which is neutral and polar, with serine, which is neutral and polar, at codon 77 of the ACTG1 protein (p.Thr77Ser). This variant is not present in population databases (gnomAD no frequency). This missense change has been observed in individual(s) with clinical features of ACTG1-related conditions (PMID: 35710456). ClinVar contains an entry for this variant (Variation ID: 1690354). Invitae Evidence Modeling of protein sequence and biophysical properties (such as structural, functional, and spatial information, amino acid conservation, physicochemical variation, residue mobility, and thermodynamic stability) indicates that this missense variant is not expected to disrupt ACTG1 protein function with a negative predictive value of 80%. In summary, the available evidence is currently insufficient to determine the role of this variant in disease. Therefore, it has been classified as a Variant of Uncertain Significance.

Joint Genome Diagnostic Labs from Nijmegen and Maastricht, Radboudumc and MUMC+
Classification: Uncertain significance. Review status: no assertion criteria provided. Collection method: clinical testing. Allele origin: germline. Affected: yes. Not counted in ClinVar's aggregate classification.

Literature cited by the submitters: PubMed 35710456 (cited by Labcorp Genetics (formerly Invitae), Labcorp).

NM_001614.5(ACTG1):c.230C>G (p.Thr77Ser)

Gene: ACTG1 (actin gamma 1; minus strand). Cytogenetic location: 17q25.3.
Variant type: single nucleotide variant.
Coding change: c.230C>G on transcript NM_001614.5 (MANE Select); coding-DNA position 230, C replaced by G.
Protein change: p.Thr77Ser; replaces threonine 77 with serine.
Molecular consequence: missense variant. On other transcripts: non-coding transcript variant (1).
Genome position (GRCh38, 1-based): chr17:81,512,036, G>C on the plus strand (C>G on the coding strand, the complement: ACTG1 is on the minus strand). VCF-style: chr17-81512036-G-C. GRCh37 (hg19) VCF-style: chr17-79479062-G-C.
Other names: c.230C>G, p.Thr77Ser (NM_001199954.3); short protein forms T77S.
Identifiers: ClinVar variation 1690354 (VCV001690354.3), dbSNP rs2143783478, ClinGen allele CA401463127.
Genomic context (GRCh38, chr17:81,512,036, plus strand): 5'-GCCACGCGCAGCTCGTTGTAGAAGGTGTGGTGCCAGATCTTCTCCATGTCGTCCCAGTTG[G>C]TGACGATGCCATGCTCAATGGGGTACTTCAGGGTCAGGATGCCACGCTTGCTCTGGGCCT-3'
Protein context (NP_001605.1, residues 67-87): LKYPIEHGIV[Thr77Ser]NWDDMEKIWH